The following is an entry in ClinVar:

ClinVar aggregate classification (germline): Conflicting classifications of pathogenicity. Review status: criteria provided, conflicting classifications (1 of 4 stars). 9 submissions from 9 submitters: Uncertain significance (8); Likely benign (1). Last evaluated 2026-02-17.

Conditions:
Hereditary cancer-predisposing syndrome. Also called: Tumor predisposition; Neoplastic Syndromes, Hereditary; Hereditary neoplastic syndrome; Hereditary Cancer Syndrome. Identifiers: Orphanet 140162, MedGen C0027672, MeSH D009386, MONDO:0015356.
Neurofibromatosis, type 2 (SWNV). Also called: NF2-Related Schwannomatosis; BILATERAL ACOUSTIC NEUROFIBROMATOSIS; SCHWANNOMATOSIS, VESTIBULAR. Identifiers: Orphanet 637, MedGen C0027832, MONDO:0007039, OMIM 101000. Disease mechanism: loss of function.

Allele frequency attached by ClinVar (database versions not stated): gnomAD exomes below 0.00001.
gnomAD v4.1: 8 of 1,613,420 alleles (0.0005%); highest among the groups gnomAD compares: South Asian, 0.0022%; no homozygotes.

Submissions (9):

Women's Health and Genetics/Laboratory Corporation of America, LabCorp
Classification: Uncertain significance. Last evaluated: 2026-02-17. Review status: criteria provided, single submitter. Criteria: LabCorp Variant Classification Summary - May 2015. Collection method: clinical testing. Allele origin: germline.
Comment: Variant summary: NF2 c.904G>A (p.Gly302Arg) results in a non-conservative amino acid change in the encoded protein sequence. Algorithms developed to predict the effect of missense changes on protein structure and function all suggest that this variant is likely to be disruptive. The variant allele was found at a frequency of 4e-06 in 251458 control chromosomes. The available data on variant occurrences in the general population are insufficient to allow any conclusion about variant significance. To our knowledge, no occurrence of c.904G>A in individuals affected with NF2-related conditions and no experimental evidence demonstrating its impact on protein function have been reported. The following publications have been ascertained in the context of this evaluation (PMID: 38456936, 31615938, 35332608). ClinVar contains an entry for this variant (Variation ID: 567430). Based on the evidence outlined above, the variant was classified as uncertain significance.

Labcorp Genetics (formerly Invitae), Labcorp
Classification: Likely benign for Neurofibromatosis, type 2. Last evaluated: 2025-12-15. Review status: criteria provided, single submitter. Criteria: Invitae Variant Classification Sherloc (09022015). Collection method: clinical testing. Allele origin: germline.

Color Diagnostics, LLC DBA Color Health
Classification: Uncertain significance for Neurofibromatosis, type 2. Last evaluated: 2025-06-26. Review status: criteria provided, single submitter. Criteria: ACMG Guidelines, 2015. Collection method: clinical testing. Allele origin: germline.
Comment: This missense variant replaces glycine with arginine at codon 302 of the NF2 protein. Computational prediction suggests that this variant may have deleterious impact on protein structure and function. To our knowledge, functional studies have not been reported for this variant. This variant has not been reported in individuals affected with NF2-related disorders in the literature. This variant has been identified in 1/251458 chromosomes in the general population by the Genome Aggregation Database (gnomAD). The available evidence is insufficient to determine the role of this variant in disease conclusively. Therefore, this variant is classified as a Variant of Uncertain Significance.

Ambry Genetics
Classification: Uncertain significance for Hereditary cancer-predisposing syndrome. Last evaluated: 2023-12-06. Review status: criteria provided, single submitter. Criteria: Ambry Variant Classification Scheme 2023. Collection method: clinical testing. Allele origin: germline.
Comment: The p.G302R variant (also known as c.904G>A), located in coding exon 10 of the NF2 gene, results from a G to A substitution at nucleotide position 904. The glycine at codon 302 is replaced by arginine, an amino acid with dissimilar properties. This amino acid position is highly conserved in available vertebrate species. In addition, this alteration is predicted to be deleterious by in silico analysis. Since supporting evidence is limited at this time, the clinical significance of this alteration remains unclear.

All of Us Research Program, National Institutes of Health
Classification: Uncertain significance for Neurofibromatosis, type 2. Last evaluated: 2023-11-30. Review status: criteria provided, single submitter. Criteria: ACMG Guidelines, 2015. Collection method: clinical testing. Allele origin: germline. Inheritance: Autosomal dominant inheritance. Observed: 1 variant allele, 1 heterozygote.
Comment: This study involves interpretation of variants in research participants for the purpose of population health screening. Participant phenotype was not available at the time of variant classification. Additional details can be found in publication PMID: 35346344, PMCID: PMC8962531

GeneDx
Classification: Uncertain significance. Last evaluated: 2023-07-03. Review status: criteria provided, single submitter. Criteria: GeneDx Variant Classification Process June 2021. Collection method: clinical testing. Allele origin: germline. Affected: yes.
Comment: In silico analysis supports that this missense variant has a deleterious effect on protein structure/function; Has not been previously published as pathogenic or benign to our knowledge; This variant is associated with the following publications: (PMID: Javaid2021[Computational], 11756419, 16324214)

Genome-Nilou Lab
Classification: Uncertain significance for Neurofibromatosis, type 2. Last evaluated: 2021-11-07. Review status: criteria provided, single submitter. Criteria: ACMG Guidelines, 2015. Collection method: clinical testing. Allele origin: germline. Affected: no.

Athena Diagnostics
Classification: Uncertain significance. Last evaluated: 2019-02-18. Review status: criteria provided, single submitter. Criteria: Athena Diagnostics Criteria. Collection method: clinical testing. Allele origin: germline.

Illumina Laboratory Services, Illumina
Classification: Uncertain significance for Neurofibromatosis, type 2. Last evaluated: 2017-04-27. Review status: criteria provided, single submitter. Criteria: ICSL Variant Classification Criteria 13 December 2019. Collection method: clinical testing. Allele origin: germline.
Comment: This variant was observed as part of a predisposition screen in an ostensibly healthy population. A literature search was performed for the gene, cDNA change, and amino acid change (where applicable). Publications were found based on this search. However, the evidence from the literature, in combination with allele frequency data from public databases where available, was not sufficient to rule this variant in or out of causing disease. Therefore, this variant is classified as a variant of unknown significance.

Literature cited by the submitters: PubMed 38456936 (cited by Women's Health and Genetics/Laboratory Corporation of America, LabCorp); PubMed 31615938 (cited by Women's Health and Genetics/Laboratory Corporation of America, LabCorp); PubMed 35332608 (cited by Women's Health and Genetics/Laboratory Corporation of America, LabCorp); PubMed 22012890 (cited by Illumina Laboratory Services, Illumina).

NM_000268.4(NF2):c.904G>A (p.Gly302Arg)

Gene: NF2 (NF2, moesin-ezrin-radixin like (MERLIN) tumor suppressor; plus strand). Cytogenetic location: 22q12.2.
Variant type: single nucleotide variant.
Coding change: c.904G>A on transcript NM_000268.4 (MANE Select); coding-DNA position 904, G replaced by A.
Protein change: p.Gly302Arg; replaces glycine 302 with arginine.
Molecular consequence: missense variant. On other transcripts: non-coding transcript variant (1), intron variant (1).
Genome position (GRCh38, 1-based): chr22:29,668,351, G>A. VCF-style: chr22-29668351-G-A. GRCh37 (hg19) VCF-style: chr22-30064340-G-A.
Other names: c.904G>A, p.Gly302Arg (NM_016418.5, NM_181825.3, NM_181832.3); c.778G>A, p.Gly260Arg (NM_181828.3); c.781G>A, p.Gly261Arg (NM_181829.3); c.655G>A, p.Gly219Arg (NM_181830.3, NM_181831.3); c.447+26066G>A (NM_181833.3); short protein forms G302R, G261R, G260R, G219R.
Identifiers: ClinVar variation 567430 (VCV000567430.20), dbSNP rs1255367068, ClinGen allele CA411145608.